The following is an entry in ClinVar:

ClinVar aggregate classification (germline): Likely pathogenic. Review status: reviewed by expert panel (3 of 4 stars). 2 submissions from 2 submitters: Likely pathogenic (1). 1 of the submissions does not count toward it. Last evaluated 2025-05-16.

Conditions:
Hereditary cancer-predisposing syndrome. Also called: Tumor predisposition; Hereditary Cancer Syndrome; Hereditary neoplastic syndrome; Neoplastic Syndromes, Hereditary. Identifiers: Orphanet 140162, MedGen C0027672, MeSH D009386, MONDO:0015356.
Familial adenomatous polyposis 1 (FAP1). Also called: FAMILIAL ADENOMATOUS POLYPOSIS 1, ATTENUATED; POLYPOSIS, ADENOMATOUS INTESTINAL. Identifiers: MedGen C2713442, MONDO:0021056, OMIM 175100. Disease mechanism: loss of function.

Submissions (2):

ClinGen InSiGHT Hereditary Colorectal Cancer/Polyposis Variant Curation Expert Panel
Classification: Likely pathogenic for Familial adenomatous polyposis 1. Last evaluated: 2025-05-16. Review status: reviewed by expert panel. Criteria: ClinGen InSiGHT HCCP VCEP ACMG Specifications APC V1. Collection method: curation. Allele origin: germline. Inheritance: Autosomal dominant inheritance.
Comment: The NM_000038.6(APC):c.1312+3A>C variant in APC is an intronic variant, which is located at the 3rd nucleotide in intron 10. This variant has been reported in 2 probands meeting phenotypic criteria, resulting in a total phenotype score of 2 points (PS4_Moderate, Ambry Genetics internal data, Tsukanov et al 2017; Russian Journal of Genetics, 2017, Vol. 53, No. 3, pp. 369–375). This variant is absent from gnomAD v2.1.1 (PM2_Supporting). The results from two in silico splicing predictors (SpliceAI and MaxEntScan) indicate that this variant may affect splicing by disrupting the donor splice site of intron 10 of APC (PP3). Moreover, this variant has similar in silico predictions compared to another noncanonical splicing variant at that same nucleotide position (c.1312+3A>G) (ClinVar ID: 217924), which is classified as pathogenic for FAP by the ClinGen InSiGHT Hereditary Colorectal Cancer/Polyposis VCEP (HCCP VCEP) (PS1). In summary, this variant meets the criteria to be classified as Likely Pathogenic for autosomal-dominant inherited FAP based on the ACMG/AMP criteria applied, as specified by the HCCP VCEP: criteria PS1, PM2_Supporting, PP3, and PS4_Moderate applied (VCEP specifications version v2.1.0; date of approval 11/24/2023).

Ambry Genetics
Classification: Pathogenic for Hereditary cancer-predisposing syndrome. Last evaluated: 2022-06-18. Review status: criteria provided, single submitter. Criteria: Ambry Variant Classification Scheme 2023. Collection method: clinical testing. Allele origin: germline. Not counted in ClinVar's aggregate classification.
Comment: The c.1312+3A>C intronic pathogenic mutation results from an A to C substitution 3 nucleotides after coding exon 9 in the APC gene. This alteration has been detected in an individual diagnosed with >100 adenomatous polyps (Tsukanov AS et al. Russian J of Genet. 2017;53(3):369-375). Another alteration impacting the same donor site (c.1312+3A>G) has been detected in numerous familial adenomatous polyposis (FAP) families (Aretz S, et al. Hum. Mutat. 2004 Nov; 24(5):370-80; Lagarde A, et al. J. Med. Genet. 2010 Oct; 47(10):721-2; Nielsen M, et al. Clin. Genet. 2007 May; 71(5):427-33; Filipe B, et al. Clin. Genet. 2009 Sep; 76(3):242-55; Ambry internal data) and RNA analysis has shown that the c.1312+3A>G alteration leads to exon 9 skipping (Ambry internal data; Aretz S et al. Hum Mutat. 2004 Nov;24(5):370-80). This nucleotide position is well conserved in available vertebrate species. In silico splice site analysis predicts that this alteration will weaken the native splice donor site. This variant is considered to be rare based on population cohorts in the Genome Aggregation Database (gnomAD). Based on the supporting evidence, this alteration is interpreted as a disease-causing mutation.

NM_000038.6(APC):c.1312+3A>C

Gene: APC (APC regulator of Wnt signaling pathway; plus strand). Cytogenetic location: 5q22.2.
Variant type: single nucleotide variant.
Coding change: c.1312+3A>C on transcript NM_000038.6 (MANE Select); 3 bases into the intron after coding-DNA position 1312, A replaced by C.
Molecular consequence: intron variant.
Genome position (GRCh38, 1-based): chr5:112,819,347, A>C. VCF-style: chr5-112819347-A-C. GRCh37 (hg19) VCF-style: chr5-112155044-A-C.
Other names: c.1312+3A>C (NM_001354895.2, NM_001127510.3, NM_001354896.2); c.1342+3A>C (NM_001354897.2); c.1039+3A>C (NM_001354902.2); c.1258+3A>C (NM_001127511.3); c.1237+3A>C (NM_001354898.2); c.934+3A>C (NM_001354904.2); c.463+3A>C (NM_001354906.2); c.1009+3A>C (NM_001354903.2); and 3 more.
Identifiers: ClinVar variation 486792 (VCV000486792.5), dbSNP rs863225311, ClinGen allele CA658655920.